The following is an entry in ClinVar:

ClinVar aggregate classification (germline): Pathogenic (1 of 4 stars; one submission).

Allele frequency attached by ClinVar (database versions not stated): gnomAD exomes below 0.00001.

Submission:

Labcorp Genetics (formerly Invitae), Labcorp
Classification: Pathogenic. Last evaluated: 2022-07-12. Review status: criteria provided, single submitter. Criteria: Invitae Variant Classification Sherloc (09022015). Collection method: clinical testing. Allele origin: germline.
Comment: ClinVar contains an entry for this variant (Variation ID: 1456451). This variant has not been reported in the literature in individuals affected with MPDZ-related conditions. This variant is not present in population databases (gnomAD no frequency). This sequence change creates a premature translational stop signal (p.Glu1006*) in the MPDZ gene. It is expected to result in an absent or disrupted protein product. Loss-of-function variants in MPDZ are known to be pathogenic (PMID: 23240096, 28556411). For these reasons, this variant has been classified as Pathogenic.

Literature cited by the submitters: PubMed 23240096; PubMed 28556411.

NM_001378778.1(MPDZ):c.3016G>T (p.Glu1006Ter)

Gene: MPDZ (multiple PDZ domain crumbs cell polarity complex component; minus strand). Cytogenetic location: 9p23.
Variant type: single nucleotide variant.
Coding change: c.3016G>T on transcript NM_001378778.1 (MANE Select); coding-DNA position 3016, G replaced by T.
Protein change: p.Glu1006Ter; replaces glutamic acid 1006 with a stop codon.
Molecular consequence: nonsense.
Genome position (GRCh38, 1-based): chr9:13,175,791, C>A on the plus strand (G>T on the coding strand, the complement: MPDZ is on the minus strand). VCF-style: chr9-13175791-C-A. GRCh37 (hg19) VCF-style: chr9-13175790-C-A.
Other names: c.3016G>T, p.Glu1006Ter (NM_001261406.2, NM_001261407.2, NM_001330637.2 and 14 more transcripts); short protein forms E1006*.
Identifiers: ClinVar variation 1456451 (VCV001456451.6), dbSNP rs1453829048, ClinGen allele CA372934737.
Genomic context (GRCh38, chr9:13,175,791, plus strand): 5'-TGAGGAAAATGAGAAACTTACCTAGGCTAGAATTGCCTTTTGCTATATTAATAGTCCTTT[C>A]AAAAGATTCTTTAGATACATTTTGAAGCATGACACACTCAGCATTACAGGCCAGGGAGCT-3'